The following is an entry in ClinVar:

NM_004787.4(SLIT2):c.1933G>C (p.Val645Leu)

Gene: SLIT2 (slit guidance ligand 2; plus strand). Cytogenetic location: 4p15.31.
Variant type: single nucleotide variant.
Coding change: c.1933G>C on transcript NM_004787.4 (MANE Select); coding-DNA position 1933, G replaced by C.
Protein change: p.Val645Leu; replaces valine 645 with leucine.
Molecular consequence: missense variant.
Genome position (GRCh38, 1-based): chr4:20,539,541, G>C. VCF-style: chr4-20539541-G-C. GRCh37 (hg19) VCF-style: chr4-20541164-G-C.
Other names: c.1921G>C, p.Val641Leu (NM_001289135.3); c.1909G>C, p.Val637Leu (NM_001289136.3); short protein forms V637L, V645L, V641L.
Identifiers: ClinVar variation 2568420 (VCV002568420.5), dbSNP rs767695836, ClinGen allele CA2871641.

ClinVar aggregate classification (germline): Uncertain significance. Review status: criteria provided, multiple submitters, no conflicts (2 of 4 stars). 2 submissions from 2 submitters: Uncertain significance (2). Last evaluated 2025-12-08.

Allele frequency attached by ClinVar (database versions not stated): ExAC 0.00012; gnomAD 0.00002; TOPMed 0.00006.
gnomAD v4.1: 33 of 1,612,694 alleles (0.002%); highest among the groups gnomAD compares: Admixed American, 0.055%; no homozygotes.

Submissions (2):

Labcorp Genetics (formerly Invitae), Labcorp
Classification: Uncertain significance. Last evaluated: 2025-12-08. Review status: criteria provided, single submitter. Criteria: Invitae Variant Classification Sherloc (09022015). Collection method: clinical testing. Allele origin: germline.
Comment: This sequence change replaces valine, which is neutral and non-polar, with leucine, which is neutral and non-polar, at codon 645 of the SLIT2 protein (p.Val645Leu). This variant is present in population databases (rs767695836, gnomAD 0.09%), and has an allele count higher than expected for a pathogenic variant. This variant has not been reported in the literature in individuals affected with SLIT2-related conditions. ClinVar contains an entry for this variant (Variation ID: 2568420). An algorithm developed to predict the effect of missense changes on protein structure and function (PolyPhen-2) suggests that this variant is likely to be tolerated. In summary, the available evidence is currently insufficient to determine the role of this variant in disease. Therefore, it has been classified as a Variant of Uncertain Significance.

Ambry Genetics
Classification: Uncertain significance. Last evaluated: 2023-04-10. Review status: criteria provided, single submitter. Criteria: Ambry Variant Classification Scheme 2023. Collection method: clinical testing. Allele origin: germline.